The following is an entry in ClinVar:

ClinVar aggregate classification (germline): Benign (1 of 4 stars; one submission).

Allele frequency attached by ClinVar (database versions not stated): gnomAD 0.00088; 1000 Genomes Project 0.00100; TOPMed 0.00100; 1000 Genomes Project 30x 0.00125.
gnomAD v4.1: 140 of 152,256 alleles (0.092%); highest among the groups gnomAD compares: Admixed American, 0.21%; no homozygotes.

Submission:

CeGaT Center for Human Genetics Tuebingen
Classification: Benign. Last evaluated: 2022-04-01. Review status: criteria provided, single submitter. Criteria: CeGaT Center For Human Genetics Tuebingen Variant Classification Criteria Version 2. Collection method: clinical testing. Allele origin: germline. Affected: yes. Observed: 1 variant allele.
Comment: KIRREL3: BS1, BS2

NM_032531.4(KIRREL3):c.848+1222T>C

Gene: KIRREL3 (kirre like nephrin family adhesion molecule 3; minus strand). Cytogenetic location: 11q24.2.
Variant type: single nucleotide variant.
Coding change: c.848+1222T>C on transcript NM_032531.4 (MANE Select); 1222 bases into the intron after coding-DNA position 848, T replaced by C.
Molecular consequence: intron variant.
Genome position (GRCh38, 1-based): chr11:126,455,127, A>G on the plus strand (T>C on the coding strand, the complement: KIRREL3 is on the minus strand). VCF-style: chr11-126455127-A-G. GRCh37 (hg19) VCF-style: chr11-126325022-A-G.
Other names: c.848+1222T>C (NM_001441257.1, NM_001441258.1, NM_001441261.1 and 5 more transcripts); c.698+1222T>C (NM_001441262.1); c.887+1222T>C (NM_001441256.1, NM_001441254.1, NM_001441263.1); c.956+1222T>C (NM_001441252.1); c.806+1222T>C (NM_001441260.1, NM_001441259.1, NM_001441255.1).
Identifiers: ClinVar variation 2642538 (VCV002642538.24), dbSNP rs111850489, ClinGen allele CA230606086.